The following is an entry in ClinVar:

NM_001191061.2(SLC25A22):c.87C>T (p.Ile29=)

Gene: SLC25A22 (solute carrier family 25 member 22; minus strand). Cytogenetic location: 11p15.5.
Variant type: single nucleotide variant.
Coding change: c.87C>T on transcript NM_001191061.2 (MANE Select); coding-DNA position 87, C replaced by T.
Protein change: p.Ile29=; no amino-acid change (isoleucine 29 retained).
Molecular consequence: synonymous variant.
Genome position (GRCh38, 1-based): chr11:794,835, G>A on the plus strand (C>T on the coding strand, the complement: SLC25A22 is on the minus strand). VCF-style: chr11-794835-G-A. GRCh37 (hg19) VCF-style: chr11-794835-G-A.
Other names: c.87C>T, p.Ile29= (NM_001191060.2, NM_024698.6).
Identifiers: ClinVar variation 392381 (VCV000392381.5), dbSNP rs138185663, ClinGen allele CA5789402.

ClinVar aggregate classification (germline): Likely benign. Review status: criteria provided, multiple submitters, no conflicts (2 of 4 stars). 2 submissions from 2 submitters: Likely benign (2). Last evaluated 2020-12-02.

Conditions:
Developmental and epileptic encephalopathy. Identifiers: MedGen C5779964, MONDO:0100620.

Allele frequency attached by ClinVar (database versions not stated): gnomAD exomes below 0.00001; TOPMed below 0.00001; gnomAD 0.00001; ExAC 0.00002; ESP Exome Variant Server 0.00008.
gnomAD v4.1: 14 of 1,589,026 alleles (0.00088%); highest among the groups gnomAD compares: Non-Finnish European, 0.0011%; no homozygotes.

Submissions (2):

Labcorp Genetics (formerly Invitae), Labcorp
Classification: Likely benign for Early-infantile DEE. Last evaluated: 2020-12-02. Review status: criteria provided, single submitter. Criteria: Invitae Variant Classification Sherloc (09022015). Collection method: clinical testing. Allele origin: germline.

GeneDx
Classification: Likely benign. Last evaluated: 2017-01-03. Review status: criteria provided, single submitter. Criteria: GeneDx Variant Classification (06012015). Collection method: clinical testing. Allele origin: germline. Affected: yes.
Comment: This variant is considered likely benign or benign based on one or more of the following criteria: it is a conservative change, it occurs at a poorly conserved position in the protein, it is predicted to be benign by multiple in silico algorithms, and/or has population frequency not consistent with disease.